The following is an entry in ClinVar:

ClinVar aggregate classification (germline): Uncertain significance (1 of 4 stars; one submission).

Conditions:
Catecholaminergic polymorphic ventricular tachycardia (CVPT). Also called: Catecholamine-induced polymorphic ventricular tachycardia. Identifiers: Orphanet 3286, MedGen C5574922, MONDO:0017990.

Submission:

Labcorp Genetics (formerly Invitae), Labcorp
Classification: Uncertain significance for Catecholaminergic polymorphic ventricular tachycardia. Last evaluated: 2018-10-31. Review status: criteria provided, single submitter. Criteria: Invitae Variant Classification Sherloc (09022015). Collection method: clinical testing. Allele origin: germline.
Comment: This sequence change replaces isoleucine with valine at codon 4094 of the RYR2 protein (p.Ile4094Val). The isoleucine residue is highly conserved and there is a small physicochemical difference between isoleucine and valine. This variant is not present in population databases (ExAC no frequency). This variant has not been reported in the literature in individuals with RYR2-related disease. Algorithms developed to predict the effect of missense changes on protein structure and function (SIFT, PolyPhen-2, Align-GVGD) all suggest that this variant is likely to be disruptive, but these predictions have not been confirmed by published functional studies and their clinical significance is uncertain. In summary, the available evidence is currently insufficient to determine the role of this variant in disease. Therefore, it has been classified as a Variant of Uncertain Significance.

NM_001035.3(RYR2):c.12280A>G (p.Ile4094Val)

Gene: RYR2 (ryanodine receptor 2; plus strand). Cytogenetic location: 1q43.
Variant type: single nucleotide variant.
Coding change: c.12280A>G on transcript NM_001035.3 (MANE Select); coding-DNA position 12280, A replaced by G.
Protein change: p.Ile4094Val; replaces isoleucine 4094 with valine.
Molecular consequence: missense variant.
Genome position (GRCh38, 1-based): chr1:237,783,992, A>G. VCF-style: chr1-237783992-A-G. GRCh37 (hg19) VCF-style: chr1-237947292-A-G.
Other names: c.12280A>G, p.Ile4094Val (LRG_402t1); short protein forms I4094V.
Identifiers: ClinVar variation 657816 (VCV000657816.2), dbSNP rs1573933519, ClinGen allele CA345412876.